The following is an entry in ClinVar:

NM_001252024.2(TRPM1):c.2541C>T (p.Asn847=)

Gene: TRPM1 (transient receptor potential cation channel subfamily M member 1; minus strand). Cytogenetic location: 15q13.3.
Variant type: single nucleotide variant.
Coding change: c.2541C>T on transcript NM_001252024.2 (MANE Select); coding-DNA position 2541, C replaced by T.
Protein change: p.Asn847=; no amino-acid change (asparagine 847 retained).
Molecular consequence: synonymous variant.
Genome position (GRCh38, 1-based): chr15:31,037,741, G>A on the plus strand (C>T on the coding strand, the complement: TRPM1 is on the minus strand). VCF-style: chr15-31037741-G-A. GRCh37 (hg19) VCF-style: chr15-31329944-G-A.
Other names: c.2592C>T, p.Asn864= (NM_001252020.2); c.2475C>T, p.Asn825= (NM_002420.6).
Identifiers: ClinVar variation 315509 (VCV000315509.16), dbSNP rs12911350, ClinGen allele CA7452168.

ClinVar aggregate classification (germline): Benign. Review status: criteria provided, multiple submitters, no conflicts (2 of 4 stars). 4 submissions from 4 submitters: Benign (4). Last evaluated 2026-02-03.

Conditions:
Congenital stationary night blindness 1C. Also called: Night blindness, congenital stationary (complete), 1C, autosomal recessive. Identifiers: Orphanet 215, MedGen C2750747, MONDO:0013183, OMIM 613216.

Allele frequency attached by ClinVar (database versions not stated): 1000 Genomes Project 0.08906; 1000 Genomes Project 30x 0.09026; TOPMed 0.12128; gnomAD 0.12143 and 0.12346; ExAC 0.12667; ESP Exome Variant Server 0.12722; gnomAD exomes 0.12929.
gnomAD v4.1: 202,425 of 1,613,938 alleles (13%); highest among the groups gnomAD compares: Admixed American, 18%; 13,582 homozygotes.

Submissions (4):

Labcorp Genetics (formerly Invitae), Labcorp
Classification: Benign. Last evaluated: 2026-02-03. Review status: criteria provided, single submitter. Criteria: Invitae Variant Classification Sherloc (09022015). Collection method: clinical testing. Allele origin: germline.

Illumina Laboratory Services, Illumina
Classification: Benign for Congenital stationary night blindness 1C. Last evaluated: 2018-01-12. Review status: criteria provided, single submitter. Criteria: ICSL Variant Classification Criteria 13 December 2019. Collection method: clinical testing. Allele origin: germline.
Comment: This variant was observed in the ICSL laboratory as part of a predisposition screen in an ostensibly healthy population. It had not been previously curated by ICSL or reported in the Human Gene Mutation Database (HGMD: prior to June 1st, 2018), and was therefore a candidate for classification through an automated scoring system. Utilizing variant allele frequency, disease prevalence and penetrance estimates, and inheritance mode, an automated score was calculated to assess if this variant is too frequent to cause the disease. Based on the score and internal cut-off values, a variant classified as benign is not then subjected to further curation. The score for this variant resulted in a classification of benign for this disease.

GeneDx
Classification: Benign. Last evaluated: 2015-03-03. Review status: criteria provided, single submitter. Criteria: GeneDx Variant Classification Process June 2021. Collection method: clinical testing. Allele origin: germline. Affected: yes.

Breakthrough Genomics
Classification: Benign. Review status: criteria provided, single submitter. Criteria: ACMG Guidelines, 2015. Collection method: not provided. Allele origin: germline. Inheritance: Unknown mechanism. Affected: yes.